The following is an entry in ClinVar:

NM_000257.4(MYH7):c.2779G>T (p.Glu927Ter)

Gene: MYH7 (myosin heavy chain 7; minus strand). Cytogenetic location: 14q11.2.
Variant type: single nucleotide variant.
Coding change: c.2779G>T on transcript NM_000257.4 (MANE Select); coding-DNA position 2779, G replaced by T.
Protein change: p.Glu927Ter; replaces glutamic acid 927 with a stop codon.
Molecular consequence: nonsense.
Genome position (GRCh38, 1-based): chr14:23,424,050, C>A on the plus strand (G>T on the coding strand, the complement: MYH7 is on the minus strand). VCF-style: chr14-23424050-C-A. GRCh37 (hg19) VCF-style: chr14-23893259-C-A.
Other names: c.2779G>T, p.Glu927Ter (NM_001407004.1); short protein forms E927*.
Identifiers: ClinVar variation 1795890 (VCV001795890.10), dbSNP rs397516170, ClinGen allele CA389047084.

ClinVar aggregate classification (germline): Conflicting classifications of pathogenicity. Review status: criteria provided, conflicting classifications (1 of 4 stars). 5 submissions from 5 submitters: Likely pathogenic (1); Uncertain significance (4). Last evaluated 2026-08-11.

Conditions:
Cardiovascular phenotype. Identifiers: MedGen CN230736.
Cardiomyopathy (CMYO). Also called: Cardiomyopathies. Identifiers: Orphanet 167848, MedGen C0878544, MONDO:0004994, HP:0001638. Inheritance: Various modes of inheritance.
Hypertrophic cardiomyopathy. Also called: HYPERTROPHIC MYOCARDIOPATHY. Identifiers: Orphanet 217569, MedGen C0007194, MeSH D002312, MONDO:0005045, HP:0001639.

Allele frequency attached by ClinVar (database versions not stated): TOPMed 0.00002.

Submissions (5):

GeneDx
Classification: Uncertain significance. Last evaluated: 2026-08-11. Review status: criteria provided, single submitter. Criteria: GeneDx Variant Classification Process June 2021. Collection method: clinical testing. Allele origin: germline.
Comment: Has not been previously published as pathogenic or benign to our knowledge; Not observed at significant frequency in large population cohorts (gnomAD); Nonsense variant predicted to result in protein truncation or nonsense mediated decay in a gene for which loss-of-function is not a known mechanism of disease

Labcorp Genetics (formerly Invitae), Labcorp
Classification: Uncertain significance for Hypertrophic cardiomyopathy. Last evaluated: 2024-10-09. Review status: criteria provided, single submitter. Criteria: Invitae Variant Classification Sherloc (09022015). Collection method: clinical testing. Allele origin: germline.
Comment: This sequence change creates a premature translational stop signal (p.Glu927*) in the MYH7 gene. It is expected to result in an absent or disrupted protein product. However, the current clinical and genetic evidence is not sufficient to establish whether loss-of-function variants in MYH7 cause disease. This variant is not present in population databases (gnomAD no frequency). This variant has not been reported in the literature in individuals affected with MYH7-related conditions. ClinVar contains an entry for this variant (Variation ID: 1795890). In summary, the available evidence is currently insufficient to determine the role of this variant in disease. Therefore, it has been classified as a Variant of Uncertain Significance.

All of Us Research Program, National Institutes of Health
Classification: Uncertain significance for Cardiomyopathy. Last evaluated: 2024-01-11. Review status: criteria provided, single submitter. Criteria: ACMG Guidelines, 2015. Collection method: clinical testing. Allele origin: germline. Inheritance: Autosomal dominant inheritance. Observed: 1 variant allele, 1 heterozygote.
Comment: This study involves interpretation of variants in research participants for the purpose of population health screening. Participant phenotype was not available at the time of variant classification. Additional details can be found in publication PMID: 35346344, PMCID: PMC8962531

Ambry Genetics
Classification: Uncertain significance for Cardiovascular phenotype. Last evaluated: 2019-08-20. Review status: criteria provided, single submitter. Criteria: Ambry Variant Classification Scheme 2023. Collection method: clinical testing. Allele origin: germline.
Comment: The p.E927* variant (also known as c.2779G>T), located in coding exon 21 of the MYH7 gene, results from a G to T substitution at nucleotide position 2779. This changes the amino acid from a glutamic acid to a stop codon within coding exon 21. This alteration is expected to result in loss of function by premature protein truncation or nonsense-mediated mRNA decay. However, loss of function of MYH7 has not been clearly established as a mechanism of disease. Since supporting evidence is limited at this time, the clinical significance of this alteration remains unclear.

Laboratory for Molecular Medicine, Mass General Brigham Personalized Medicine
Classification: Likely pathogenic for Cardiomyopathy. Last evaluated: 2019-02-15. Review status: criteria provided, single submitter. Criteria: ACMG Guidelines, 2015. Collection method: clinical testing. Allele origin: germline. Inheritance: Autosomal recessive inheritance.
Comment: The p.Glu927X variant in MYH7 has not been previously reported in individuals with cardiomyopathy and was absent from large population studies. This nonsense variant leads to a premature termination codon at position 927, which is predicted to lead to a truncated or absent protein. Although heterozygous loss-of-function (LOF) variants in MYH7, such as this variant, are not believed to be pathogenic for dominant forms of cardiomyopathy, there is evidence that can they lead to severe and early onset disease when present in trans with a second MYH7 variant (LMM data). In summary, although additional studies are required to fully establish its clinical significance, the p.Glu927X variant is likely pathogenic. ACMG/AMP Criteria applied: PVS1, PM2.